The following is an entry in ClinVar:

ClinVar aggregate classification (germline): Conflicting classifications of pathogenicity. Review status: criteria provided, conflicting classifications (1 of 4 stars). 6 submissions from 6 submitters: Uncertain significance (5); Likely benign (1). Last evaluated 2026-01-12.

Conditions:
MYH7-related skeletal myopathy. Also called: MYOPATHY, DISTAL, EARLY-ONSET, AUTOSOMAL DOMINANT; MYOPATHY, LATE DISTAL HEREDITARY; Laing distal myopathy; Laing early-onset distal myopathy; Myopathy, distal, 1. Identifiers: Orphanet 59135, MedGen C4552004, MONDO:0008050, OMIM 160500.
Hypertrophic cardiomyopathy 1 (CMH1). Also called: MYH7-Related Familial Hypertrophic Cardiomyopathy; Familial hypertrophic cardiomyopathy 1. Identifiers: MedGen C3495498, MONDO:0008647, OMIM 192600.
Dilated cardiomyopathy 1S (CMD1S). Identifiers: Orphanet 154, Orphanet 54260, MedGen C1834481, MONDO:0013262, OMIM 613426.
Myopathy, myosin storage, autosomal recessive (CMYO7B). Also called: CONGENITAL MYOPATHY 7B, MYOSIN STORAGE, AUTOSOMAL RECESSIVE. Identifiers: Orphanet 636970, MedGen C1850709, MONDO:0009708, OMIM 255160.
Myosin storage myopathy (CMYO7A). Also called: Scapuloperoneal myopathy, MYH7-related; SCAPULOPERONEAL MUSCULAR DYSTROPHY; SCAPULOPERONEAL SYNDROME, MYOPATHIC TYPE; MYOPATHY, HYALINE BODY, AUTOSOMAL DOMINANT; MYOPATHY WITH LYSIS OF TYPE I MYOFIBRILS; MYH7-related late-onset scapuloperoneal muscular dystrophy. Identifiers: Orphanet 437572, Orphanet 636965, MedGen C1842160, MONDO:0008409, OMIM 608358.
Congenital myopathy with fiber type disproportion. Also called: Congenital fiber-type disproportion; Congenital fiber-type disproportion myopathy. Identifiers: Orphanet 2020, MedGen C0546264, MONDO:0009711. Inheritance: all.
Cardiomyopathy (CMYO). Also called: Cardiomyopathies. Identifiers: Orphanet 167848, MedGen C0878544, MONDO:0004994, HP:0001638. Inheritance: Various modes of inheritance.
Hypertrophic cardiomyopathy. Also called: HYPERTROPHIC MYOCARDIOPATHY. Identifiers: Orphanet 217569, MedGen C0007194, MeSH D002312, MONDO:0005045, HP:0001639.
Cardiovascular phenotype. Identifiers: MedGen CN230736.

Allele frequency attached by ClinVar (database versions not stated): gnomAD exomes 0.00002 and 0.00004; ExAC 0.00003; gnomAD 0.00008 and 0.00009; TOPMed 0.00011; ESP Exome Variant Server 0.00023.
gnomAD v4.1: 35 of 1,605,900 alleles (0.0022%); highest among the groups gnomAD compares: African/African-American, 0.028%; no homozygotes.

Submissions (6):

Labcorp Genetics (formerly Invitae), Labcorp
Classification: Uncertain significance for Hypertrophic cardiomyopathy. Last evaluated: 2026-01-12. Review status: criteria provided, single submitter. Criteria: Invitae Variant Classification Sherloc (09022015). Collection method: clinical testing. Allele origin: germline.
Comment: This sequence change falls in intron 37 of the MYH7 gene. It does not directly change the encoded amino acid sequence of the MYH7 protein. It affects a nucleotide within the consensus splice site. This variant is present in population databases (rs371177871, gnomAD 0.05%). This variant has not been reported in the literature in individuals affected with MYH7-related conditions. ClinVar contains an entry for this variant (Variation ID: 518701). Variants that disrupt the consensus splice site are a relatively common cause of aberrant splicing (PMID: 17576681, 9536098). Algorithms developed to predict the effect of sequence changes on RNA splicing suggest that this variant is not likely to affect RNA splicing. In summary, the available evidence is currently insufficient to determine the role of this variant in disease. Therefore, it has been classified as a Variant of Uncertain Significance.

All of Us Research Program, National Institutes of Health
Classification: Uncertain significance for Cardiomyopathy. Last evaluated: 2024-06-09. Review status: criteria provided, single submitter. Criteria: ACMG Guidelines, 2015. Collection method: clinical testing. Allele origin: germline. Inheritance: Autosomal dominant inheritance. Observed: 4 variant alleles, 4 heterozygotes.
Comment: This variant causes a G to A nucleotide substitution at the +5 position of intron 37 of the MYH7 gene. To our knowledge, functional studies have not been reported for this variant. This variant has not been reported in individuals affected with MYH7-related disorders in the literature. This variant has been identified in 10/245610 chromosomes in the general population by the Genome Aggregation Database (gnomAD). The available evidence is insufficient to determine the role of this variant in disease conclusively. Therefore, this variant is classified as a Variant of Uncertain Significance.

This study involves interpretation of variants in research participants for the purpose of population health screening. Participant phenotype was not available at the time of variant classification. Additional details can be found in publication PMID: 35346344, PMCID: PMC8962531

Color Diagnostics, LLC DBA Color Health
Classification: Uncertain significance for Cardiomyopathy. Last evaluated: 2024-05-29. Review status: criteria provided, single submitter. Criteria: ACMG Guidelines, 2015. Collection method: clinical testing. Allele origin: germline.
Comment: This variant causes a G to A nucleotide substitution at the +5 position of intron 37 of the MYH7 gene. To our knowledge, functional studies have not been reported for this variant. This variant has not been reported in individuals affected with MYH7-related disorders in the literature. This variant has been identified in 10/245610 chromosomes in the general population by the Genome Aggregation Database (gnomAD). The available evidence is insufficient to determine the role of this variant in disease conclusively. Therefore, this variant is classified as a Variant of Uncertain Significance.

Revvity Omics, Revvity
Classification: Uncertain significance. Last evaluated: 2022-08-01. Review status: criteria provided, single submitter. Criteria: ACMG Guidelines, 2015. Collection method: clinical testing. Allele origin: germline.

Fulgent Genetics
Classification: Uncertain significance for MYH7-related skeletal myopathy; Myosin storage myopathy; Hypertrophic cardiomyopathy 1; Myopathy, myosin storage, autosomal recessive; Congenital myopathy 4A, autosomal dominant; Dilated cardiomyopathy 1S. Last evaluated: 2021-08-31. Review status: criteria provided, single submitter. Criteria: ACMG Guidelines, 2015. Collection method: clinical testing. Allele origin: unknown.

Ambry Genetics
Classification: Likely benign for Cardiovascular phenotype. Last evaluated: 2021-07-27. Review status: criteria provided, single submitter. Criteria: Ambry Variant Classification Scheme 2023. Collection method: clinical testing. Allele origin: germline.

Literature cited by the submitters: PubMed 17576681 (cited by Labcorp Genetics (formerly Invitae), Labcorp); PubMed 9536098 (cited by Labcorp Genetics (formerly Invitae), Labcorp).

NM_000257.4(MYH7):c.5559+5G>A

Gene: MYH7 (myosin heavy chain 7; minus strand). Cytogenetic location: 14q11.2.
Variant type: single nucleotide variant.
Coding change: c.5559+5G>A on transcript NM_000257.4 (MANE Select); 5 bases into the intron after coding-DNA position 5559, G replaced by A.
Molecular consequence: intron variant.
Genome position (GRCh38, 1-based): chr14:23,414,990, C>T on the plus strand (G>A on the coding strand, the complement: MYH7 is on the minus strand). VCF-style: chr14-23414990-C-T. GRCh37 (hg19) VCF-style: chr14-23884199-C-T.
Other names: c.5559+5G>A (LRG_384t1).
Identifiers: ClinVar variation 518701 (VCV000518701.29), dbSNP rs371177871, ClinGen allele CA047308.